The following is an entry in ClinVar:

ClinVar aggregate classification (germline): Benign. Review status: criteria provided, multiple submitters, no conflicts (2 of 4 stars). 6 submissions from 6 submitters: Benign (5). 1 of the submissions does not count toward it. Last evaluated 2026-02-02.

Conditions:
Lissencephaly 9 with complex brainstem malformation. Identifiers: Orphanet 572013, MedGen C5193029, MONDO:0032677, OMIM 618325.
MACF1-related disorder. Also called: MACF1-related condition.

Allele frequency attached by ClinVar (database versions not stated): gnomAD exomes 0.29875 and 0.29972; ExAC 0.30078; 1000 Genomes Project 0.34405; 1000 Genomes Project 30x 0.34525; gnomAD 0.34651 and 0.35088; TOPMed 0.35677; ESP Exome Variant Server 0.36183.
gnomAD v4.1: 489,374 of 1,613,514 alleles (30%); highest among the groups gnomAD compares: African/African-American, 47%; 76,266 homozygotes.

Submissions (6):

Labcorp Genetics (formerly Invitae), Labcorp
Classification: Benign. Last evaluated: 2026-02-02. Review status: criteria provided, single submitter. Criteria: Invitae Variant Classification Sherloc (09022015). Collection method: clinical testing. Allele origin: germline.

Blueprint Genetics
Classification: Benign. Last evaluated: 2024-11-26. Review status: criteria provided, single submitter. Criteria: ACMG Guidelines, 2015. Collection method: clinical testing. Allele origin: germline.

Genome-Nilou Lab
Classification: Benign for Lissencephaly 9 with complex brainstem malformation. Last evaluated: 2023-04-11. Review status: criteria provided, single submitter. Criteria: ACMG Guidelines, 2015. Collection method: clinical testing. Allele origin: germline. Affected: no.

GeneDx
Classification: Benign. Last evaluated: 2019-05-10. Review status: criteria provided, single submitter. Criteria: GeneDx Variant Classification Process June 2021. Collection method: clinical testing. Allele origin: germline. Affected: yes.

Breakthrough Genomics
Classification: Benign. Review status: criteria provided, single submitter. Criteria: ACMG Guidelines, 2015. Collection method: not provided. Allele origin: germline. Inheritance: Autosomal dominant inheritance. Affected: yes.

PreventionGenetics, part of Exact Sciences
Classification: Benign for MACF1-related condition. Last evaluated: 2019-06-28. Review status: no assertion criteria provided. Collection method: clinical testing. Allele origin: germline. Not counted in ClinVar's aggregate classification.
Comment: This variant is classified as benign based on ACMG/AMP sequence variant interpretation guidelines (Richards et al. 2015 PMID: 25741868, with internal and published modifications).

NM_001394062.1(MACF1):c.19225G>A (p.Ala6409Thr)

Gene: MACF1 (microtubule actin crosslinking factor 1; plus strand). Cytogenetic location: 1p34.3.
Variant type: single nucleotide variant.
Coding change: c.19225G>A on transcript NM_001394062.1 (MANE Select); coding-DNA position 19225, G replaced by A.
Protein change: p.Ala6409Thr; replaces alanine 6409 with threonine.
Molecular consequence: missense variant.
Genome position (GRCh38, 1-based): chr1:39,442,834, G>A. VCF-style: chr1-39442834-G-A. GRCh37 (hg19) VCF-style: chr1-39908506-G-A.
Other names: c.13048G>A, p.Ala4350Thr (NM_012090.5); short protein forms A4350T, A6409T.
Identifiers: ClinVar variation 1266499 (VCV001266499.14), dbSNP rs587404, ClinGen allele CA784072.